The following is an entry in ClinVar:

ClinVar aggregate classification (germline): Uncertain significance. Review status: criteria provided, multiple submitters, no conflicts (2 of 4 stars). 3 submissions from 3 submitters: Uncertain significance (3). Last evaluated 2023-05-10.

Conditions:
Inborn genetic diseases. Identifiers: MedGen C0950123, MeSH D030342.

Allele frequency attached by ClinVar (database versions not stated): gnomAD exomes 0.00001 and 0.00008; ExAC 0.00010; TOPMed 0.00018; gnomAD 0.00021 and 0.00022; ESP Exome Variant Server 0.00033.
gnomAD v4.1: 58 of 1,613,646 alleles (0.0036%); highest among the groups gnomAD compares: African/African-American, 0.052%; no homozygotes.

Submissions (3):

GeneDx
Classification: Uncertain significance. Last evaluated: 2023-05-10. Review status: criteria provided, single submitter. Criteria: GeneDx Variant Classification Process June 2021. Collection method: clinical testing. Allele origin: germline. Affected: yes.
Comment: In silico analysis supports that this missense variant has a deleterious effect on protein structure/function; Has not been previously published as pathogenic or benign to our knowledge

Ambry Genetics
Classification: Uncertain significance for Inborn genetic diseases. Last evaluated: 2021-07-13. Review status: criteria provided, single submitter. Criteria: Ambry Variant Classification Scheme 2023. Collection method: clinical testing. Allele origin: germline.

CeGaT Center for Human Genetics Tuebingen
Classification: Uncertain significance. Last evaluated: 2017-03-01. Review status: criteria provided, single submitter. Criteria: CeGaT Center For Human Genetics Tuebingen Variant Classification Criteria Version 2. Collection method: clinical testing. Allele origin: germline. Affected: yes. Observed: 1 variant allele.

NM_015114.3(ANKLE2):c.1547C>T (p.Pro516Leu)

Gene: ANKLE2 (ankyrin repeat and LEM domain containing 2; minus strand). Cytogenetic location: 12q24.33.
Variant type: single nucleotide variant.
Coding change: c.1547C>T on transcript NM_015114.3 (MANE Select); coding-DNA position 1547, C replaced by T.
Protein change: p.Pro516Leu; replaces proline 516 with leucine.
Molecular consequence: missense variant.
Genome position (GRCh38, 1-based): chr12:132,736,939, G>A on the plus strand (C>T on the coding strand, the complement: ANKLE2 is on the minus strand). VCF-style: chr12-132736939-G-A. GRCh37 (hg19) VCF-style: chr12-133313525-G-A.
Other names: c.1547C>T (NM_015114.2, NM_015114.1); short protein forms P516L.
Identifiers: ClinVar variation 806971 (VCV000806971.45), dbSNP rs201586661, ClinGen allele CA6895566.